The following is an entry in ClinVar:

NM_182972.3(IRF2BP2):c.1555G>A (p.Val519Met)

Gene: IRF2BP2 (interferon regulatory factor 2 binding protein 2; minus strand). Cytogenetic location: 1q42.3.
Variant type: single nucleotide variant.
Coding change: c.1555G>A on transcript NM_182972.3 (MANE Select); coding-DNA position 1555, G replaced by A.
Protein change: p.Val519Met; replaces valine 519 with methionine.
Molecular consequence: missense variant.
Genome position (GRCh38, 1-based): chr1:234,607,346, C>T on the plus strand (G>A on the coding strand, the complement: IRF2BP2 is on the minus strand). VCF-style: chr1-234607346-C-T. GRCh37 (hg19) VCF-style: chr1-234743092-C-T.
Other names: c.1507G>A, p.Val503Met (NM_001077397.1); short protein forms V519M, V503M.
Identifiers: ClinVar variation 3659153 (VCV003659153.2).
Genomic context (GRCh38, chr1:234,607,346, plus strand): 5'-TGATGCTTTGTCTGGAGCAAGGGAAGCAGAACTTGTGCGAAGGGACGGACGGGCACTGCA[C>T]AAAATGGGTGTCCTCCAGCCGCTCGTGGCAGAGGGTGCAGCACAGCGGGGCACTGGTTGC-3'
Protein context (NP_892017.2, residues 509-529): CHERLEDTHF[Val519Met]QCPSVPSHKF

ClinVar aggregate classification (germline): Uncertain significance (1 of 4 stars; one submission).

Submission:

Labcorp Genetics (formerly Invitae), Labcorp
Classification: Uncertain significance. Last evaluated: 2024-07-10. Review status: criteria provided, single submitter. Criteria: Invitae Variant Classification Sherloc (09022015). Collection method: clinical testing. Allele origin: germline.
Comment: This sequence change replaces valine, which is neutral and non-polar, with methionine, which is neutral and non-polar, at codon 519 of the IRF2BP2 protein (p.Val519Met). This variant is not present in population databases (gnomAD no frequency). This variant has not been reported in the literature in individuals affected with IRF2BP2-related conditions. An algorithm developed to predict the effect of missense changes on protein structure and function (PolyPhen-2) suggests that this variant is likely to be disruptive. In summary, the available evidence is currently insufficient to determine the role of this variant in disease. Therefore, it has been classified as a Variant of Uncertain Significance.